The following is an entry in ClinVar:

ClinVar aggregate classification (germline): Uncertain significance (1 of 4 stars; one submission).

Allele frequency attached by ClinVar (database versions not stated): ExAC 0.00001; gnomAD exomes 0.00002.
gnomAD v4.1: 10 of 1,582,702 alleles (0.00063%); highest among the groups gnomAD compares: Admixed American, 0.0089%; no homozygotes.

Submission:

Labcorp Genetics (formerly Invitae), Labcorp
Classification: Uncertain significance. Last evaluated: 2023-10-03. Review status: criteria provided, single submitter. Criteria: Invitae Variant Classification Sherloc (09022015). Collection method: clinical testing. Allele origin: germline.
Comment: This sequence change falls in intron 10 of the CCDC88A gene. It does not directly change the encoded amino acid sequence of the CCDC88A protein. It affects a nucleotide within the consensus splice site. This variant is present in population databases (rs760658790, gnomAD 0.01%). This variant has not been reported in the literature in individuals affected with CCDC88A-related conditions. ClinVar contains an entry for this variant (Variation ID: 1428984). Variants that disrupt the consensus splice site are a relatively common cause of aberrant splicing (PMID: 17576681, 9536098). Algorithms developed to predict the effect of sequence changes on RNA splicing suggest that this variant may create or strengthen a splice site. In summary, the available evidence is currently insufficient to determine the role of this variant in disease. Therefore, it has been classified as a Variant of Uncertain Significance.

Literature cited by the submitters: PubMed 17576681; PubMed 9536098.

NM_001365480.1(CCDC88A):c.1041+5G>T

Gene: CCDC88A (coiled-coil domain containing 88A; minus strand). Cytogenetic location: 2p16.1.
Variant type: single nucleotide variant.
Coding change: c.1041+5G>T on transcript NM_001365480.1 (MANE Select); 5 bases into the intron after coding-DNA position 1041, G replaced by T.
Molecular consequence: intron variant.
Genome position (GRCh38, 1-based): chr2:55,346,170, C>A on the plus strand (G>T on the coding strand, the complement: CCDC88A is on the minus strand). VCF-style: chr2-55346170-C-A. GRCh37 (hg19) VCF-style: chr2-55573306-C-A.
Other names: c.1041+5G>T (NM_001254943.2, NM_001135597.2, NM_018084.5).
Identifiers: ClinVar variation 1428984 (VCV001428984.4), dbSNP rs760658790, ClinGen allele CA1666234.